The following is an entry in ClinVar:

NC_000005.9:g.(?_89918394)_(89925376_?)del

Gene: ADGRV1 (adhesion G protein-coupled receptor V1; plus strand). Cytogenetic location: 5q14.3.
Variant type: Deletion.
Identifiers: ClinVar variation 3246547 (VCV003246547.1).

ClinVar aggregate classification (germline): Pathogenic (1 of 4 stars; one submission).

Submission:

Labcorp Genetics (formerly Invitae), Labcorp
Classification: Pathogenic. Last evaluated: 2023-02-16. Review status: criteria provided, single submitter. Criteria: Invitae Variant Classification Sherloc (09022015). Collection method: clinical testing. Allele origin: unknown.
Comment: This variant is a gross deletion of the genomic region encompassing exon(s) 5-9 of the ADGRV1 gene. This variant would be expected to be in-frame, preserving the integrity of the reading frame. This variant has not been reported in the literature in individuals affected with ADGRV1-related conditions. This variant disrupts a region of the ADGRV1 protein in which other variant(s) (p.Pro352Leu) have been determined to be pathogenic (PMID: 30303587; Invitae). This suggests that this is a clinically significant region of the protein, and that variants that disrupt it are likely to be disease-causing. For these reasons, this variant has been classified as Pathogenic.

Literature cited by the submitters: PubMed 30303587.